The following is an entry in ClinVar:

ClinVar aggregate classification (germline): Pathogenic (1 of 4 stars; one submission).

Submission:

Labcorp Genetics (formerly Invitae), Labcorp
Classification: Pathogenic. Last evaluated: 2024-01-24. Review status: criteria provided, single submitter. Criteria: Invitae Variant Classification Sherloc (09022015). Collection method: clinical testing. Allele origin: germline.
Comment: This sequence change creates a premature translational stop signal (p.Glu154Glyfs*126) in the TELO2 gene. It is expected to result in an absent or disrupted protein product. Loss-of-function variants in TELO2 are known to be pathogenic (PMID: 28944240). This variant is not present in population databases (gnomAD no frequency). This variant has not been reported in the literature in individuals affected with TELO2-related conditions. ClinVar contains an entry for this variant (Variation ID: 2103874). For these reasons, this variant has been classified as Pathogenic.

Literature cited by the submitters: PubMed 28944240.

NM_016111.4(TELO2):c.460dup (p.Glu154fs)

Gene: TELO2 (telomere maintenance 2; plus strand). Cytogenetic location: 16p13.3.
Variant type: Duplication.
Coding change: c.460dup on transcript NM_016111.4 (MANE Select); coding-DNA position 460, one base duplicated (G; older notation c.460dupG).
Protein change: p.Glu154fs; shifts the reading frame from glutamic acid 154.
Molecular consequence: frameshift variant.
Genome position (GRCh38, 1-based): chr16:1,495,470, G duplicated; the last of 3 consecutive G bases (chr16:1,495,468-1,495,470); duplicating any one gives the same sequence. VCF-style (leftmost placement, unchanged base first): chr16-1495467-C-CG. GRCh37 (hg19) VCF-style: chr16-1545468-C-CG.
Other names: c.460dup, p.Glu154fs (NM_001351846.2); short protein forms E154fs.
Identifiers: ClinVar variation 2103874 (VCV002103874.4), dbSNP rs2505910497, ClinGen allele CA2575868793.